The following is an entry in ClinVar:

ClinVar aggregate classification (germline): Uncertain significance (1 of 4 stars; one submission).

Conditions:
ARHGAP29-related disorder. Also called: ARHGAP29-related condition; ARHGAP29-Related Disorders.

Submission:

PreventionGenetics, part of Exact Sciences
Classification: Uncertain significance for ARHGAP29-related condition. Last evaluated: 2025-12-23. Review status: criteria provided, single submitter. Criteria: ACMG Guidelines, 2015. Collection method: clinical testing. Allele origin: germline.
Comment: The ARHGAP29 c.1243C>T variant is predicted to result in the amino acid substitution p.Arg415Trp. To our knowledge, this variant has not been reported in the literature. This variant is reported in 0.0029% of alleles in individuals of Latino descent in gnomAD. At this time, the clinical significance of this variant is uncertain due to the absence of conclusive functional and genetic evidence.

NM_004815.4(ARHGAP29):c.1243C>T (p.Arg415Trp)

Gene: ARHGAP29 (Rho GTPase activating protein 29; minus strand). Cytogenetic location: 1p22.1.
Variant type: single nucleotide variant.
Coding change: c.1243C>T on transcript NM_004815.4 (MANE Select); coding-DNA position 1243, C replaced by T.
Protein change: p.Arg415Trp; replaces arginine 415 with tryptophan.
Molecular consequence: missense variant.
Genome position (GRCh38, 1-based): chr1:94,201,758, G>A on the plus strand (C>T on the coding strand, the complement: ARHGAP29 is on the minus strand). VCF-style: chr1-94201758-G-A. GRCh37 (hg19) VCF-style: chr1-94667314-G-A.
Other names: c.1243C>T, p.Arg415Trp (NM_001328664.2, NM_001328666.2); c.1051C>T, p.Arg351Trp (NM_001328665.2, NM_001328667.2); short protein forms R351W, R415W.
Identifiers: ClinVar variation 4983291 (VCV004983291.1).